The following is an entry in ClinVar:

ClinVar aggregate classification (germline): Likely pathogenic. Review status: criteria provided, multiple submitters, no conflicts (2 of 4 stars). 2 submissions from 2 submitters: Likely pathogenic (2). Last evaluated 2023-12-22.

Conditions:
Hypertrophic cardiomyopathy. Also called: HYPERTROPHIC MYOCARDIOPATHY. Identifiers: Orphanet 217569, MedGen C0007194, MeSH D002312, MONDO:0005045, HP:0001639.

Submissions (2):

Labcorp Genetics (formerly Invitae), Labcorp
Classification: Likely pathogenic for Hypertrophic cardiomyopathy. Last evaluated: 2023-12-22. Review status: criteria provided, single submitter. Criteria: Invitae Variant Classification Sherloc (09022015). Collection method: clinical testing. Allele origin: germline.
Comment: This sequence change replaces glycine, which is neutral and non-polar, with valine, which is neutral and non-polar, at codon 733 of the MYH7 protein (p.Gly733Val). This variant is not present in population databases (gnomAD no frequency). This missense change has been observed in individuals with hypertrophic cardiomyopathy (PMID: 24111713, 28193612; Invitae). ClinVar contains an entry for this variant (Variation ID: 181177). Advanced modeling of protein sequence and biophysical properties (such as structural, functional, and spatial information, amino acid conservation, physicochemical variation, residue mobility, and thermodynamic stability) performed at Invitae indicates that this missense variant is expected to disrupt MYH7 protein function with a positive predictive value of 95%. In summary, the currently available evidence indicates that the variant is pathogenic, but additional data are needed to prove that conclusively. Therefore, this variant has been classified as Likely Pathogenic.

GeneDx
Classification: Likely pathogenic. Last evaluated: 2017-10-18. Review status: criteria provided, single submitter. Criteria: GeneDx Variant Classification (06012015). Collection method: clinical testing. Allele origin: germline. Affected: yes.
Comment: p.Gly733Val (GGA>GTA): c.2198 G>T in exon 20 of the MYH7 gene (NM_000257.2). The Gly733Val variant in the MYH7 gene has not been reported as a disease-causing mutation or as a benign polymorphism to our knowledge. Although Gly733Val results in a conservative amino acid substitution of one non-polar amino acid with another, this substitution occurs at a position that is highly conserved across species. In silico analysis predicts Gly733Val is probably damaging to the protein structure/function. Mutations at the same residue (Gly733Arg, Gly733Glu) and in nearby residues (Pro731Leu, Gln734Pro, Gln734Glu) have been reported in association with cardiomyopathy, further supporting the functional importance of this residue and this region of the protein. Furthermore, Gly733Val was not present in the 1000 Genomes database, and the NHLBI ESP Exome Variant Server reports Gly733Val was not observed in approximately 6500 samples from individuals of European and African American backgrounds, indicating it is not a common benign variant in these populations. In summary, Gly733Val is a good candidate for a disease-causing mutation. The variant is found in HCM panel(s).

Literature cited by the submitters: PubMed 24111713 (cited by Labcorp Genetics (formerly Invitae), Labcorp); PubMed 28193612 (cited by Labcorp Genetics (formerly Invitae), Labcorp).

NM_000257.4(MYH7):c.2198G>T (p.Gly733Val)

Gene: MYH7 (myosin heavy chain 7; minus strand). Cytogenetic location: 14q11.2.
Variant type: single nucleotide variant.
Coding change: c.2198G>T on transcript NM_000257.4 (MANE Select); coding-DNA position 2198, G replaced by T.
Protein change: p.Gly733Val; replaces glycine 733 with valine.
Molecular consequence: missense variant.
Genome position (GRCh38, 1-based): chr14:23,425,783, C>A on the plus strand (G>T on the coding strand, the complement: MYH7 is on the minus strand). VCF-style: chr14-23425783-C-A. GRCh37 (hg19) VCF-style: chr14-23894992-C-A.
Other names: p.G733V:GGA>GTA; c.2198G>T (LRG_384t1); short protein forms G733V.
Identifiers: ClinVar variation 181177 (VCV000181177.5), dbSNP rs727504241, ClinGen allele CA011936.
Genomic context (GRCh38, chr14:23,425,783, plus strand): 5'-TGATCAATGTCCAGGGAGCTGAGCAGCTTCTCTGCCCCCTTCCTGCTATCAATGAACTGT[C>A]CCTCAGGGATGGCCGCTGGGTTCAGGATGCGATACCTGAGGAGGGAAGTGTCCAGAGTCA-3'
Protein context (NP_000248.2, residues 723-743): RILNPAAIPE[Gly733Val]QFIDSRKGAE